The following is an entry in ClinVar:

ClinVar aggregate classification (germline): Uncertain significance (1 of 4 stars; one submission).

Submission:

GeneDx
Classification: Uncertain significance. Last evaluated: 2026-02-02. Review status: criteria provided, single submitter. Criteria: GeneDx Variant Classification Process June 2021. Collection method: clinical testing. Allele origin: germline.
Comment: Not observed at significant frequency in large population cohorts (gnomAD); In silico analysis suggests that this missense variant does not alter protein structure/function; Has not been previously published as pathogenic or benign to our knowledge

NM_003718.5(CDK13):c.1924C>G (p.Leu642Val)

Gene: CDK13 (cyclin dependent kinase 13; plus strand). Cytogenetic location: 7p14.1.
Variant type: single nucleotide variant.
Coding change: c.1924C>G on transcript NM_003718.5 (MANE Select); coding-DNA position 1924, C replaced by G.
Protein change: p.Leu642Val; replaces leucine 642 with valine.
Molecular consequence: missense variant.
Genome position (GRCh38, 1-based): chr7:39,997,546, C>G. VCF-style: chr7-39997546-C-G. GRCh37 (hg19) VCF-style: chr7-40037145-C-G.
Other names: c.1924C>G, p.Leu642Val (NM_031267.4); short protein forms L642V.
Identifiers: ClinVar variation 4976094 (VCV004976094.1).